The following is an entry in ClinVar:

NM_007294.4(BRCA1):c.1246C>G (p.Leu416Val)

Gene: BRCA1 (BRCA1 DNA repair associated; minus strand). Cytogenetic location: 17q21.31.
Variant type: single nucleotide variant.
Coding change: c.1246C>G on transcript NM_007294.4 (MANE Select); coding-DNA position 1246, C replaced by G.
Protein change: p.Leu416Val; replaces leucine 416 with valine.
Molecular consequence: missense variant. On other transcripts: intron variant (137).
Genome position (GRCh38, 1-based): chr17:43,094,285, G>C on the plus strand (C>G on the coding strand, the complement: BRCA1 is on the minus strand). VCF-style: chr17-43094285-G-C. GRCh37 (hg19) VCF-style: chr17-41246302-G-C.
Other names: c.1243C>G, p.Leu415Val (NM_001407591.1, NM_001407610.1, NM_001407611.1 and 22 more transcripts); c.1246C>G, p.Leu416Val (NM_001407593.1, NM_001407594.1, NM_001407596.1 and 30 more transcripts); c.1237C>G, p.Leu413Val (NM_001407646.1, NM_001407647.1); c.1123C>G, p.Leu375Val (NM_001407648.1, NM_001407664.1, NM_001407665.1 and 19 more transcripts); c.1120C>G, p.Leu374Val (NM_001407649.1, NM_001407670.1, NM_001407671.1 and 11 more transcripts); c.1168C>G, p.Leu390Val (NM_001407653.1, NM_001407654.1, NM_001407655.1 and 4 more transcripts); c.1165C>G, p.Leu389Val (NM_001407659.1, NM_001407660.1, NM_001407661.1 and 1 more transcripts); c.1105C>G, p.Leu369Val (NM_001407692.1, NM_001407694.1, NM_001407695.1 and 29 more transcripts); and 40 more; short protein forms L369V, L416V, L120V, L289V, L328V, L346V, L374V, L390V.
Identifiers: ClinVar variation 1398676 (VCV001398676.14), dbSNP rs1567800325, ClinGen allele CA10599560.

ClinVar aggregate classification (germline): Conflicting classifications of pathogenicity. Review status: criteria provided, conflicting classifications (1 of 4 stars). 3 submissions from 3 submitters: Uncertain significance (2); Likely benign (1). Last evaluated 2025-11-04.

Conditions:
Hereditary breast ovarian cancer syndrome. Also called: Hereditary breast and ovarian cancer; Hereditary breast and ovarian cancer syndrome; Breast and ovarian cancer; BRCA1- and BRCA2-Associated Hereditary Breast and Ovarian Cancer; Hereditary breast and ovarian cancer syndrome (HBOC); Hereditary breast and/or ovarian cancer syndrome. Identifiers: Orphanet 145, MedGen C0677776, MeSH D061325, MONDO:0003582. Disease mechanism: loss of function.
Hereditary cancer-predisposing syndrome. Also called: Hereditary Cancer Syndrome; Hereditary neoplastic syndrome; Tumor predisposition; Neoplastic Syndromes, Hereditary. Identifiers: Orphanet 140162, MedGen C0027672, MeSH D009386, MONDO:0015356.

Submissions (3):

Ambry Genetics
Classification: Uncertain significance for Hereditary cancer-predisposing syndrome. Last evaluated: 2025-11-04. Review status: criteria provided, single submitter. Criteria: Ambry Variant Classification Scheme 2023. Collection method: clinical testing. Allele origin: germline.
Comment: The p.L416V variant (also known as c.1246C>G), located in coding exon 9 of the BRCA1 gene, results from a C to G substitution at nucleotide position 1246. The leucine at codon 416 is replaced by valine, an amino acid with highly similar properties. This amino acid position is poorly conserved in available vertebrate species. In addition, the in silico prediction for this alteration is inconclusive. Based on the available evidence, the clinical significance of this variant remains unclear.

University of Washington Department of Laboratory Medicine, University of Washington
Classification: Likely benign for Hereditary cancer-predisposing syndrome. Last evaluated: 2023-03-23. Review status: criteria provided, single submitter. Criteria: Dines et al. (Genet Med. 2020). Collection method: curation. Allele origin: germline.
Comment: Missense variant in a coldspot region where missense variants are very unlikely to be pathogenic (PMID:31911673).

BRCA1 coldspot (exon 11 using historical exon numbering). Reclassification based on statistical prior probability

Labcorp Genetics (formerly Invitae), Labcorp
Classification: Uncertain significance for Hereditary breast ovarian cancer syndrome. Last evaluated: 2021-04-26. Review status: criteria provided, single submitter. Criteria: Invitae Variant Classification Sherloc (09022015). Collection method: clinical testing. Allele origin: germline.
Comment: In summary, the available evidence is currently insufficient to determine the role of this variant in disease. Therefore, it has been classified as a Variant of Uncertain Significance. Advanced modeling of protein sequence and biophysical properties (such as structural, functional, and spatial information, amino acid conservation, physicochemical variation, residue mobility, and thermodynamic stability) performed at Invitae indicates that this missense variant is not expected to disrupt BRCA1 protein function. This variant has been observed in individual(s) with breast and/or ovarian cancer (PMID: 27062684). This variant is not present in population databases (ExAC no frequency). This sequence change replaces leucine with valine at codon 416 of the BRCA1 protein (p.Leu416Val). The leucine residue is weakly conserved and there is a small physicochemical difference between leucine and valine.

Literature cited by the submitters: PubMed 27062684 (cited by Ambry Genetics and Labcorp Genetics (formerly Invitae), Labcorp).